The following is an entry in ClinVar:

NC_000013.10:g.(?_108857585)_(108860894_?)del

Gene: LIG4 (DNA ligase 4; minus strand). Cytogenetic location: 13q33.3.
Variant type: Deletion.
Identifiers: ClinVar variation 1062517 (VCV001062517.5).

ClinVar aggregate classification (germline): Uncertain significance (1 of 4 stars; one submission).

Conditions:
DNA ligase IV deficiency. Identifiers: Orphanet 99812, MedGen C1847827, MONDO:0011686, OMIM 606593.

Submission:

Labcorp Genetics (formerly Invitae), Labcorp
Classification: Uncertain significance for DNA ligase IV deficiency. Last evaluated: 2019-02-22. Review status: criteria provided, single submitter. Criteria: Invitae Variant Classification Sherloc (09022015). Collection method: clinical testing. Allele origin: germline.
Comment: In summary, the available evidence is currently insufficient to determine the role of this variant in disease. Therefore, it has been classified as a Variant of Uncertain Significance. Experimental studies and prediction algorithms are not available for this variant, and the impact of this deletion on protein function is currently unknown. This variant has not been reported in the literature in individuals with LIG4-related conditions. This variant is a deletion of the genomic region encompassing the last 13 nucleotides of exon 2¬†and 2205 nucleotides of the 3' intergenic region¬†(c.2723_*1091+2205del) of the LIG4 gene.